The following is an entry in ClinVar:

NM_002546.4(TNFRSF11B):c.31-7C>T

Gene: TNFRSF11B (TNF receptor superfamily member 11b; minus strand). Cytogenetic location: 8q24.12.
Variant type: single nucleotide variant.
Coding change: c.31-7C>T on transcript NM_002546.4 (MANE Select); 7 bases into the intron before coding-DNA position 31, C replaced by T.
Molecular consequence: intron variant.
Genome position (GRCh38, 1-based): chr8:118,933,307, G>A on the plus strand (C>T on the coding strand, the complement: TNFRSF11B is on the minus strand). VCF-style: chr8-118933307-G-A. GRCh37 (hg19) VCF-style: chr8-119945546-G-A.
Identifiers: ClinVar variation 361695 (VCV000361695.13), dbSNP rs10505344, ClinGen allele CA4854996.

ClinVar aggregate classification (germline): Benign. Review status: criteria provided, multiple submitters, no conflicts (2 of 4 stars). 3 submissions from 3 submitters: Benign (3). Last evaluated 2026-02-01.

Conditions:
Hyperphosphatasemia with bone disease (PDB5). Also called: HYPEROSTOSIS CORTICALIS DEFORMANS JUVENILIS; HYPERPHOSPHATASEMIA, CHRONIC CONGENITAL IDIOPATHIC; HYPERPHOSPHATASIA, FAMILIAL IDIOPATHIC; PAGET DISEASE OF BONE 5, JUVENILE-ONSET; Paget disease of bone 5; Osteoectasia familial. Identifiers: Orphanet 2801, MedGen C0268414, MONDO:0009394, OMIM 239000.

Allele frequency attached by ClinVar (database versions not stated): gnomAD exomes 0.00517 and 0.01372; ExAC 0.01672; gnomAD 0.05257 and 0.05640; TOPMed 0.05996; 1000 Genomes Project 0.06030; ESP Exome Variant Server 0.06213; 1000 Genomes Project 30x 0.06527.

Submissions (3):

Labcorp Genetics (formerly Invitae), Labcorp
Classification: Benign. Last evaluated: 2026-02-01. Review status: criteria provided, single submitter. Criteria: Invitae Variant Classification Sherloc (09022015). Collection method: clinical testing. Allele origin: germline.

Illumina Laboratory Services, Illumina
Classification: Benign for Hyperphosphatasemia with bone disease. Last evaluated: 2018-01-13. Review status: criteria provided, single submitter. Criteria: ICSL Variant Classification Criteria 13 December 2019. Collection method: clinical testing. Allele origin: germline.
Comment: This variant was observed in the ICSL laboratory as part of a predisposition screen in an ostensibly healthy population. It had not been previously curated by ICSL or reported in the Human Gene Mutation Database (HGMD: prior to June 1st, 2018), and was therefore a candidate for classification through an automated scoring system. Utilizing variant allele frequency, disease prevalence and penetrance estimates, and inheritance mode, an automated score was calculated to assess if this variant is too frequent to cause the disease. Based on the score and internal cut-off values, a variant classified as benign is not then subjected to further curation. The score for this variant resulted in a classification of benign for this disease.

Breakthrough Genomics
Classification: Benign. Review status: criteria provided, single submitter. Criteria: ACMG Guidelines, 2015. Collection method: not provided. Allele origin: germline. Inheritance: Autosomal recessive inheritance. Affected: yes.